The following is an entry in ClinVar:

NM_145290.4(ADGRA3):c.1130C>T (p.Thr377Met)

Gene: ADGRA3 (adhesion G protein-coupled receptor A3; minus strand). Cytogenetic location: 4p15.2.
Variant type: single nucleotide variant.
Coding change: c.1130C>T on transcript NM_145290.4 (MANE Select); coding-DNA position 1130, C replaced by T.
Protein change: p.Thr377Met; replaces threonine 377 with methionine.
Molecular consequence: missense variant.
Genome position (GRCh38, 1-based): chr4:22,436,597, G>A on the plus strand (C>T on the coding strand, the complement: ADGRA3 is on the minus strand). VCF-style: chr4-22436597-G-A. GRCh37 (hg19) VCF-style: chr4-22438220-G-A.
Other names: c.1130C>T (NM_145290.2); short protein forms T377M.
Identifiers: ClinVar variation 1052886 (VCV001052886.10), dbSNP rs1407221276, ClinGen allele CA356482374.

ClinVar aggregate classification (germline): Uncertain significance. Review status: criteria provided, multiple submitters, no conflicts (2 of 4 stars). 2 submissions from 2 submitters: Uncertain significance (2). Last evaluated 2024-10-15.

Allele frequency attached by ClinVar (database versions not stated): gnomAD 0.00001; gnomAD exomes 0.00001; TOPMed 0.00002.
gnomAD v4.1: 13 of 1,613,896 alleles (0.00081%); highest among the groups gnomAD compares: African/African-American, 0.0027%; no homozygotes.

Submissions (2):

Labcorp Genetics (formerly Invitae), Labcorp
Classification: Uncertain significance. Last evaluated: 2024-10-15. Review status: criteria provided, single submitter. Criteria: Invitae Variant Classification Sherloc (09022015). Collection method: clinical testing. Allele origin: germline.
Comment: This sequence change replaces threonine, which is neutral and polar, with methionine, which is neutral and non-polar, at codon 377 of the ADGRA3 protein (p.Thr377Met). This variant is not present in population databases (gnomAD no frequency). This variant has not been reported in the literature in individuals affected with ADGRA3-related conditions. ClinVar contains an entry for this variant (Variation ID: 1052886). An algorithm developed to predict the effect of missense changes on protein structure and function (PolyPhen-2) suggests that this variant is likely to be disruptive. In summary, the available evidence is currently insufficient to determine the role of this variant in disease. Therefore, it has been classified as a Variant of Uncertain Significance.

Ambry Genetics
Classification: Uncertain significance. Last evaluated: 2024-01-02. Review status: criteria provided, single submitter. Criteria: Ambry Variant Classification Scheme 2023. Collection method: clinical testing. Allele origin: germline.